The following is an entry in ClinVar:

NM_201384.3(PLEC):c.5213G>A (p.Arg1738Gln)

Gene: PLEC (plectin; minus strand). Cytogenetic location: 8q24.3.
Variant type: single nucleotide variant.
Coding change: c.5213G>A on transcript NM_201384.3 (MANE Select); coding-DNA position 5213, G replaced by A.
Protein change: p.Arg1738Gln; replaces arginine 1738 with glutamine.
Molecular consequence: missense variant.
Genome position (GRCh38, 1-based): chr8:143,924,716, C>T on the plus strand (G>A on the coding strand, the complement: PLEC is on the minus strand). VCF-style: chr8-143924716-C-T. GRCh37 (hg19) VCF-style: chr8-144998884-C-T.
Other names: c.5294G>A, p.Arg1765Gln (NM_000445.5); c.5171G>A, p.Arg1724Gln (NM_201378.4); c.5147G>A, p.Arg1716Gln (NM_201379.3); c.5624G>A, p.Arg1875Gln (NM_201380.4); c.5117G>A, p.Arg1706Gln (NM_201381.3); c.5213G>A, p.Arg1738Gln (NM_201382.4); c.5225G>A, p.Arg1742Gln (NM_201383.3); c.5294G>A (NM_000445.3); short protein forms R1706Q, R1724Q, R1742Q, R1765Q, R1716Q, R1738Q, R1875Q.
Identifiers: ClinVar variation 283286 (VCV000283286.19), dbSNP rs577419493, ClinGen allele CA4926401.

ClinVar aggregate classification (germline): Uncertain significance. Review status: criteria provided, multiple submitters, no conflicts (2 of 4 stars). 5 submissions from 5 submitters: Uncertain significance (5). Last evaluated 2025-12-14.

Conditions:
Inborn genetic diseases. Identifiers: MedGen C0950123, MeSH D030342.
Epidermolysis bullosa simplex 5B, with muscular dystrophy (EBS5B). Also called: EPIDERMOLYSIS BULLOSA SIMPLEX AND LIMB-GIRDLE MUSCULAR DYSTROPHY; Epidermolysis bullosa simplex with muscular dystrophy. Identifiers: Orphanet 257, MedGen C2931072, MONDO:0009181, OMIM 226670.
Epidermolysis bullosa simplex with nail dystrophy (EBS5D). Identifiers: MedGen C4225309, MONDO:0014661, OMIM 616487.
Autosomal recessive limb-girdle muscular dystrophy type 2Q (LGMDR17). Also called: MUSCULAR DYSTROPHY, LIMB-GIRDLE, AUTOSOMAL RECESSIVE 17. Identifiers: Orphanet 254361, MedGen C3150989, MONDO:0013390, OMIM 613723.
Epidermolysis bullosa simplex 5C, with pyloric atresia (EBS5C). Also called: PLEC1-Related Epidermolysis Bullosa with Pyloric Atresia; PLEC-Related Epidermolysis Bullosa with Pyloric Atresia; Epidermolysis bullosa simplex with pyloric atresia. Identifiers: Orphanet 158684, MedGen C2677349, MONDO:0012807, OMIM 612138.
Epidermolysis bullosa simplex, Ogna type (EBS5A). Also called: Pidermolysis bullosa simplex 5A, Ogna type; EPIDERMOLYSIS BULLOSA SIMPLEX 5A, OGNA TYPE. Identifiers: Orphanet 79401, MedGen C0432317, MONDO:0007555, OMIM 131950.

Allele frequency attached by ClinVar (database versions not stated): gnomAD exomes 0.00004 and 0.00008; ExAC 0.00009; gnomAD 0.00009 and 0.00049; 1000 Genomes Project 0.00020; 1000 Genomes Project 30x 0.00047; TOPMed 0.00053.
gnomAD v4.1: 133 of 1,534,138 alleles (0.0087%); highest among the groups gnomAD compares: South Asian, 0.006%; no homozygotes.

Submissions (5):

Labcorp Genetics (formerly Invitae), Labcorp
Classification: Uncertain significance for Autosomal recessive limb-girdle muscular dystrophy type 2Q; Epidermolysis bullosa simplex, Ogna type; Epidermolysis bullosa simplex with nail dystrophy; Epidermolysis bullosa simplex 5C, with pyloric atresia; Epidermolysis bullosa simplex 5B, with muscular dystrophy. Last evaluated: 2025-12-14. Review status: criteria provided, single submitter. Criteria: Invitae Variant Classification Sherloc (09022015). Collection method: clinical testing. Allele origin: germline.
Comment: This sequence change replaces arginine, which is basic and polar, with glutamine, which is neutral and polar, at codon 1765 of the PLEC protein (p.Arg1765Gln). This variant is present in population databases (rs577419493, gnomAD 0.02%). This variant has not been reported in the literature in individuals affected with PLEC-related conditions. ClinVar contains an entry for this variant (Variation ID: 283286). Experimental studies and prediction algorithms are not available or were not evaluated, and the functional significance of this variant is currently unknown. In summary, the available evidence is currently insufficient to determine the role of this variant in disease. Therefore, it has been classified as a Variant of Uncertain Significance.

Ambry Genetics
Classification: Uncertain significance for Inborn genetic diseases. Last evaluated: 2025-05-23. Review status: criteria provided, single submitter. Criteria: Ambry Variant Classification Scheme 2023. Collection method: clinical testing. Allele origin: germline.

Revvity Omics, Revvity
Classification: Uncertain significance. Last evaluated: 2023-08-31. Review status: criteria provided, single submitter. Criteria: ACMG Guidelines, 2015. Collection method: clinical testing. Allele origin: germline.

Blueprint Genetics
Classification: Uncertain significance. Last evaluated: 2022-06-10. Review status: criteria provided, single submitter. Criteria: ACMG Guidelines, 2015. Collection method: clinical testing. Allele origin: germline.

Eurofins Ntd Llc (ga)
Classification: Uncertain significance. Last evaluated: 2015-09-15. Review status: criteria provided, single submitter. Criteria: EGL Classification Definitions 2015. Collection method: clinical testing. Allele origin: germline. Observed: 3 variant alleles, 3 heterozygotes.